The following is an entry in ClinVar:

NM_004360.5(CDH1):c.211C>A (p.Leu71Ile)

Gene: CDH1 (cadherin 1; plus strand). Cytogenetic location: 16q22.1.
Variant type: single nucleotide variant.
Coding change: c.211C>A on transcript NM_004360.5 (MANE Select); coding-DNA position 211, C replaced by A.
Protein change: p.Leu71Ile; replaces leucine 71 with isoleucine.
Molecular consequence: missense variant. On other transcripts: 5 prime UTR variant (2).
Genome position (GRCh38, 1-based): chr16:68,801,717, C>A. VCF-style: chr16-68801717-C-A. GRCh37 (hg19) VCF-style: chr16-68835620-C-A.
Other names: c.211C>A (LRG_301t1); c.211C>A, p.Leu71Ile (NM_001317184.2); c.-1405C>A (NM_001317185.2); c.-1609C>A (NM_001317186.2); short protein forms L71I.
Identifiers: ClinVar variation 532468 (VCV000532468.9), dbSNP rs1555514408, ClinGen allele CA396457169.

ClinVar aggregate classification (germline): Uncertain significance (1 of 4 stars; one submission).

Conditions:
Hereditary diffuse gastric adenocarcinoma (HDGC). Also called: DIFFUSE GASTRIC AND LOBULAR BREAST CANCER SYNDROME. Identifiers: Orphanet 26106, MedGen C1708349, MONDO:0007648, OMIM 137215.

gnomAD v4.1: 2 of 1,614,128 alleles (0.00012%); highest among the groups gnomAD compares: South Asian, 0.0022%; no homozygotes.

Submission:

Labcorp Genetics (formerly Invitae), Labcorp
Classification: Uncertain significance for Hereditary diffuse gastric adenocarcinoma. Last evaluated: 2017-10-02. Review status: criteria provided, single submitter. Criteria: Invitae Variant Classification Sherloc (09022015). Collection method: clinical testing. Allele origin: germline.
Comment: This sequence change replaces leucine with isoleucine at codon 71 of the CDH1 protein (p.Leu71Ile). The leucine residue is weakly conserved and there is a small physicochemical difference between leucine and isoleucine. This variant is not present in population databases (ExAC no frequency). This variant has not been reported in the literature in individuals with CDH1-related disease. Algorithms developed to predict the effect of missense changes on protein structure and function (SIFT, PolyPhen-2, Align-GVGD) all suggest that this variant is likely to be tolerated, but these predictions have not been confirmed by published functional studies and their clinical significance is uncertain. In summary, the available evidence is currently insufficient to determine the role of this variant in disease. Therefore, it has been classified as a Variant of Uncertain Significance.